The following is an entry in ClinVar:

NM_001256012.3(MYH10):c.5581C>T (p.Leu1861Phe)

Gene: MYH10 (myosin heavy chain 10; minus strand). Cytogenetic location: 17p13.1.
Variant type: single nucleotide variant.
Coding change: c.5581C>T on transcript NM_001256012.3 (MANE Select); coding-DNA position 5581, C replaced by T.
Protein change: p.Leu1861Phe; replaces leucine 1861 with phenylalanine.
Molecular consequence: missense variant.
Genome position (GRCh38, 1-based): chr17:8,480,126, G>A on the plus strand (C>T on the coding strand, the complement: MYH10 is on the minus strand). VCF-style: chr17-8480126-G-A. GRCh37 (hg19) VCF-style: chr17-8383444-G-A.
Other names: c.5515C>T, p.Leu1839Phe (NM_001256095.2); c.5518C>T, p.Leu1840Phe (NM_001375266.1); c.5488C>T, p.Leu1830Phe (NM_005964.5); short protein forms L1830F, L1839F, L1840F, L1861F.
Identifiers: ClinVar variation 2662319 (VCV002662319.1), dbSNP rs2544168199, ClinGen allele CA398041602.

ClinVar aggregate classification (germline): Uncertain significance (1 of 4 stars; one submission).

Submission:

GeneDx
Classification: Uncertain significance. Last evaluated: 2023-05-15. Review status: criteria provided, single submitter. Criteria: GeneDx Variant Classification Process June 2021. Collection method: clinical testing. Allele origin: germline. Affected: yes.
Comment: Not observed at significant frequency in large population cohorts (gnomAD); In silico analysis supports that this missense variant has a deleterious effect on protein structure/function; Has not been previously published as pathogenic or benign to our knowledge